The following is an entry in ClinVar:

ClinVar aggregate classification (germline): Uncertain significance. Review status: criteria provided, multiple submitters, no conflicts (2 of 4 stars). 2 submissions from 2 submitters: Uncertain significance (2). Last evaluated 2022-07-11.

Conditions:
Developmental and epileptic encephalopathy 93. Also called: EPILEPTIC ENCEPHALOPATHY, INFANTILE OR EARLY CHILDHOOD, 3. Identifiers: MedGen C4693934, MONDO:0020632, OMIM 618012.

Allele frequency attached by ClinVar (database versions not stated): gnomAD exomes below 0.00001; ExAC 0.00001.
gnomAD v4.1: 4 of 1,614,176 alleles (0.00025%); highest among the groups gnomAD compares: East Asian, 0.0022%; no homozygotes.

Submissions (2):

Revvity Omics, Revvity
Classification: Uncertain significance. Last evaluated: 2022-07-11. Review status: criteria provided, single submitter. Criteria: ACMG Guidelines, 2015. Collection method: clinical testing. Allele origin: germline.

Neuberg Centre For Genomic Medicine, NCGM
Classification: Uncertain significance for Developmental and epileptic encephalopathy 93. Review status: criteria provided, single submitter. Criteria: ACMG Guidelines, 2015. Collection method: clinical testing. Allele origin: germline. Inheritance: Autosomal dominant inheritance. Affected: yes.
Comment: The missense variant c.280A>Gp.Ile94Val in ATP6V1A gene has not been reported previously as a pathogenic variant nor as a benign variant, to our knowledge. The variant is novel not in any individuals in gnomAD Exomes and 1000 Genomes. The amino acid Isoleucine at position 94 is changed to a Valine changing protein sequence and it might alter its composition and physico-chemical properties. The amino acid change p.Ile94Val in ATP6V1A is predicted as conserved by GERP++ and PhyloP across 100 vertebrates. For these reasons, this variant has been classified as Uncertain Significance.

NM_001690.4(ATP6V1A):c.280A>G (p.Ile94Val)

Gene: ATP6V1A (ATPase H+ transporting V1 subunit A; plus strand). Cytogenetic location: 3q13.31.
Variant type: single nucleotide variant.
Coding change: c.280A>G on transcript NM_001690.4 (MANE Select); coding-DNA position 280, A replaced by G.
Protein change: p.Ile94Val; replaces isoleucine 94 with valine.
Molecular consequence: missense variant.
Genome position (GRCh38, 1-based): chr3:113,784,292, A>G. VCF-style: chr3-113784292-A-G. GRCh37 (hg19) VCF-style: chr3-113503139-A-G.
Other names: short protein forms I94V.
Identifiers: ClinVar variation 2439387 (VCV002439387.4), dbSNP rs766598300, ClinGen allele CA2547801.